The following is an entry in ClinVar:

NM_002336.3(LRP6):c.2050A>G (p.Lys684Glu)

Gene: LRP6 (LDL receptor related protein 6; minus strand). Cytogenetic location: 12p13.2.
Variant type: single nucleotide variant.
Coding change: c.2050A>G on transcript NM_002336.3 (MANE Select); coding-DNA position 2050, A replaced by G.
Protein change: p.Lys684Glu; replaces lysine 684 with glutamic acid.
Molecular consequence: missense variant. On other transcripts: non-coding transcript variant (1), intron variant (1).
Genome position (GRCh38, 1-based): chr12:12,164,275, T>C on the plus strand (A>G on the coding strand, the complement: LRP6 is on the minus strand). VCF-style: chr12-12164275-T-C. GRCh37 (hg19) VCF-style: chr12-12317209-T-C.
Other names: c.2050A>G, p.Lys684Glu (NM_001414244.1, NM_001414245.1, NM_001414246.1 and 4 more transcripts); c.1852A>G, p.Lys618Glu (NM_001414247.1); c.1597A>G, p.Lys533Glu (NM_001414252.1, NM_001414253.1, NM_001414254.1); c.1546-1856A>G (NM_001414255.1); short protein forms K533E, K684E, K618E.
Identifiers: ClinVar variation 3649340 (VCV003649340.2).

ClinVar aggregate classification (germline): Uncertain significance (1 of 4 stars; one submission).

Submission:

Labcorp Genetics (formerly Invitae), Labcorp
Classification: Uncertain significance. Last evaluated: 2024-05-06. Review status: criteria provided, single submitter. Criteria: Invitae Variant Classification Sherloc (09022015). Collection method: clinical testing. Allele origin: germline.
Comment: This sequence change replaces lysine, which is basic and polar, with glutamic acid, which is acidic and polar, at codon 684 of the LRP6 protein (p.Lys684Glu). This variant is not present in population databases (gnomAD no frequency). This variant has not been reported in the literature in individuals affected with LRP6-related conditions. An algorithm developed to predict the effect of missense changes on protein structure and function (PolyPhen-2) suggests that this variant is likely to be disruptive. In summary, the available evidence is currently insufficient to determine the role of this variant in disease. Therefore, it has been classified as a Variant of Uncertain Significance.